The following is an entry in ClinVar:

ClinVar aggregate classification (germline): Uncertain significance. Review status: criteria provided, multiple submitters, no conflicts (2 of 4 stars). 2 submissions from 2 submitters: Uncertain significance (2). Last evaluated 2025-07-02.

Conditions:
Juvenile polyposis syndrome (JPS). Identifiers: Orphanet 2929, MedGen C0345893, MONDO:0017380, OMIM 174900.
Hereditary cancer-predisposing syndrome. Also called: Hereditary neoplastic syndrome; Neoplastic Syndromes, Hereditary; Tumor predisposition; Hereditary Cancer Syndrome. Identifiers: Orphanet 140162, MedGen C0027672, MeSH D009386, MONDO:0015356.

Submissions (2):

Ambry Genetics
Classification: Uncertain significance for Hereditary cancer-predisposing syndrome. Last evaluated: 2025-07-02. Review status: criteria provided, single submitter. Criteria: Ambry Variant Classification Scheme 2023. Collection method: clinical testing. Allele origin: germline.
Comment: The c.1330_1332delTGT variant (also known as p.C444del) is located in coding exon 9 of the BMPR1A gene. This variant results from an in-frame TGT deletion at nucleotide positions 1330 to 1332. This results in the in-frame deletion of a cysteine at codon 444. This amino acid position is highly conserved in available vertebrate species. In addition, this variant is predicted to be deleterious by in silico analysis (Choi Y et al. PLoS ONE. 2012; 7(10):e46688). Based on the available evidence, the clinical significance of this variant remains unclear.

Labcorp Genetics (formerly Invitae), Labcorp
Classification: Uncertain significance for Juvenile polyposis syndrome. Last evaluated: 2017-07-22. Review status: criteria provided, single submitter. Criteria: Invitae Variant Classification Sherloc (09022015). Collection method: clinical testing. Allele origin: germline.
Comment: In summary, the available evidence is currently insufficient to determine the role of this variant in disease. Therefore, it has been classified as a Variant of Uncertain Significance. Experimental studies and prediction algorithms are not available for this variant, and the functional significance of the deleted amino acid is currently unknown. This variant has not been reported in the literature in individuals with BMPR1A-related disease. This variant is not present in population databases (ExAC no frequency). This variant, c.1330_1332delTGT, results in the deletion of 1 amino acid of the BMPR1A protein (p.Cys444del), but otherwise preserves the integrity of the reading frame.

NM_004329.3(BMPR1A):c.1330_1332del (p.Cys444del)

Gene: BMPR1A (bone morphogenetic protein receptor type 1A; plus strand). Cytogenetic location: 10q23.2.
Variant type: Deletion.
Coding change: c.1330_1332del on transcript NM_004329.3 (MANE Select); coding-DNA positions 1330 to 1332, 3 bases deleted (TGT; older notation c.1330_1332delTGT).
Protein change: p.Cys444del; deletes cysteine 444.
Molecular consequence: inframe deletion.
Genome position (GRCh38, 1-based): chr10:86,921,683-86,921,685, TGT deleted; deleting any 3 consecutive bases within chr10:86,921,681-86,921,685 gives the same sequence; the c. name uses the placement nearest the transcript's 3' end. VCF-style (leftmost placement, unchanged base first): chr10-86921680-CGTT-C. GRCh37 (hg19) VCF-style: chr10-88681437-CGTT-C.
Other names: c.1330_1332delTGT (NM_004329.2); short protein forms C444del.
Identifiers: ClinVar variation 460479 (VCV000460479.11), dbSNP rs1554891356, ClinGen allele CA658657992.